The following is an entry in ClinVar:

NM_000245.4(MET):c.3682G>T (p.Asp1228Tyr)

Gene: MET (MET proto-oncogene, receptor tyrosine kinase; plus strand). Cytogenetic location: 7q31.2.
Variant type: single nucleotide variant.
Coding change: c.3682G>T on transcript NM_000245.4 (MANE Select); coding-DNA position 3682, G replaced by T.
Protein change: p.Asp1228Tyr; replaces aspartic acid 1228 with tyrosine.
Molecular consequence: missense variant.
Genome position (GRCh38, 1-based): chr7:116,783,353, G>T. VCF-style: chr7-116783353-G-T. GRCh37 (hg19) VCF-style: chr7-116423407-G-T.
Other names: c.3736G>T, p.Asp1246Tyr (NM_001127500.3); c.2392G>T, p.Asp798Tyr (NM_001324402.2); short protein forms D1228Y, D1246Y, D798Y.
Identifiers: ClinVar variation 1734426 (VCV001734426.6), dbSNP rs121913671, ClinGen allele CA368991564.
Genomic context (GRCh38, chr7:116,783,353, plus strand): 5'-CCTTTCTGTAGGCTGGATGAAAAATTCACAGTCAAGGTTGCTGATTTTGGTCTTGCCAGA[G>T]ACATGTATGATAAAGAATACTATAGTGTACACAACAAAACAGGTGCAAAGCTGCCAGTGA-3'
Protein context (NP_000236.2, residues 1218-1238): VKVADFGLAR[Asp1228Tyr]MYDKEYYSVH

ClinVar aggregate classification (germline): Conflicting classifications of pathogenicity. Review status: criteria provided, conflicting classifications (1 of 4 stars). 3 submissions from 3 submitters: Likely pathogenic (1); Uncertain significance (2). Last evaluated 2025-08-29.

Conditions:
Autosomal recessive nonsyndromic hearing loss 97. Also called: Deafness, autosomal recessive 97. Identifiers: Orphanet 90636, MedGen C4084709, MONDO:0014739, OMIM 616705.
Hereditary cancer-predisposing syndrome. Also called: Neoplastic Syndromes, Hereditary; Tumor predisposition; Hereditary Cancer Syndrome; Hereditary neoplastic syndrome. Identifiers: Orphanet 140162, MedGen C0027672, MeSH D009386, MONDO:0015356.
Renal cell carcinoma. Identifiers: Orphanet 217071, MedGen C0007134, MeSH D002292, MONDO:0005086, HP:0005584.

Allele frequency attached by ClinVar (database versions not stated): gnomAD exomes below 0.00001.
gnomAD v4.1: 4 of 1,614,154 alleles (0.00025%); highest among the groups gnomAD compares: Non-Finnish European, 0.00025%; no homozygotes.

Submissions (3):

Ambry Genetics
Classification: Likely pathogenic for Hereditary cancer-predisposing syndrome. Last evaluated: 2025-08-29. Review status: criteria provided, single submitter. Criteria: Ambry Variant Classification Scheme 2023. Collection method: clinical testing. Allele origin: germline.
Comment: The p.D1246Y variant (also known as c.3736G>T), located in coding exon 18 of the MET gene, results from a G to T substitution at nucleotide position 3736. The aspartic acid at codon 1246 is replaced by tyrosine, an amino acid with highly dissimilar properties. This variant was reported in individual(s) with features consistent with MET-related papillary renal cell carcinoma (Ambry internal data). This amino acid position is highly conserved in available vertebrate species. In addition, this alteration is predicted to be deleterious by in silico analysis. This variant is considered to be rare based on population cohorts in the Genome Aggregation Database (gnomAD). Based on the majority of available evidence to date, this variant is likely to be pathogenic.

Baylor Genetics
Classification: Uncertain significance for Autosomal recessive nonsyndromic hearing loss 97. Last evaluated: 2024-01-03. Review status: criteria provided, single submitter. Criteria: ACMG Guidelines, 2015. Collection method: clinical testing. Allele origin: unknown.

Labcorp Genetics (formerly Invitae), Labcorp
Classification: Uncertain significance for Renal cell carcinoma. Last evaluated: 2021-08-09. Review status: criteria provided, single submitter. Criteria: Invitae Variant Classification Sherloc (09022015). Collection method: clinical testing. Allele origin: germline.
Comment: This sequence change replaces aspartic acid with tyrosine at codon 1246 of the MET protein (p.Asp1246Tyr). The aspartic acid residue is highly conserved and there is a large physicochemical difference between aspartic acid and tyrosine. This variant is not present in population databases (ExAC no frequency). This variant has not been reported in the literature in individuals affected with MET-related conditions. Advanced modeling of protein sequence and biophysical properties (such as structural, functional, and spatial information, amino acid conservation, physicochemical variation, residue mobility, and thermodynamic stability) performed at Invitae indicates that this missense variant is expected to disrupt MET protein function. In summary, the available evidence is currently insufficient to determine the role of this variant in disease. Therefore, it has been classified as a Variant of Uncertain Significance.